The following is an entry in ClinVar:

NM_005026.5(PIK3CD):c.1309C>T (p.Arg437Cys)

Genes: PIK3CD (phosphatidylinositol-4,5-bisphosphate 3-kinase catalytic subunit delta; plus strand), LOC126805612 (MED14-independent group 3 enhancer GRCh37_chr1:9778914-9780113; plus strand). Cytogenetic location: 1p36.22.
Variant type: single nucleotide variant.
Coding change: c.1309C>T on transcript NM_005026.5 (MANE Select); coding-DNA position 1309, C replaced by T.
Protein change: p.Arg437Cys; replaces arginine 437 with cysteine.
Molecular consequence: missense variant.
Genome position (GRCh38, 1-based): chr1:9,719,987, C>T. VCF-style: chr1-9719987-C-T. GRCh37 (hg19) VCF-style: chr1-9780045-C-T.
Other names: NM_005026.5(PIK3CD):c.1309C>T; p.Arg437Cys; c.1309C>T, p.Arg437Cys (NM_001350234.2); c.1222C>T, p.Arg408Cys (NM_001350235.1); short protein forms R408C, R437C.
Identifiers: ClinVar variation 757064 (VCV000757064.12), dbSNP rs28730673, ClinGen allele CA577147.

ClinVar aggregate classification (germline): Likely benign. Review status: reviewed by expert panel (3 of 4 stars). 4 submissions from 4 submitters: Likely benign (1). 3 of the submissions do not count toward it. Last evaluated 2025-12-19.

Conditions:
Inborn genetic diseases. Identifiers: MedGen C0950123, MeSH D030342.
Immunodeficiency 14 (IMD14A). Also called: p110-DELTA-ACTIVATING MUTATION CAUSING SENESCENT T CELLS, LYMPHADENOPATHY, AND IMMUNODEFICIENCY; Activated PI3K Delta Syndrome Type 1 (APDS1); ACTIVATED PI3K-DELTA SYNDROME 1; IMMUNODEFICIENCY 14A WITH LYMPHOPROLIFERATION, AUTOSOMAL DOMINANT. Identifiers: Orphanet 397596, Orphanet 693661, MedGen C5907821, MONDO:0014222, OMIM 615513.

Allele frequency attached by ClinVar (database versions not stated): gnomAD 0.00021 and 0.00027; gnomAD exomes 0.00011 and 0.00017; TOPMed 0.00016; 1000 Genomes Project 0.00060; 1000 Genomes Project 30x 0.00062; ESP Exome Variant Server 0.00008; ExAC 0.00016.
gnomAD v4.1: 202 of 1,613,710 alleles (0.013%); highest among the groups gnomAD compares: East Asian, 0.3%; no homozygotes.

Submissions (4):

ClinGen Primary Immune Regulatory Disorders Variant Curation Expert Panel, ClinGen
Classification: Likely benign for Immunodeficiency 14. Last evaluated: 2025-12-19. Review status: reviewed by expert panel. Criteria: ClinGen AbDef ACMG Specifications PIK3CD V1.0.0. Collection method: curation. Allele origin: germline. Inheritance: Autosomal dominant inheritance.
Comment: NM_005026.5(PIK3CD):c.1309C>T is a missense variant that causes substitution of arginine by cysteine at amino acid 437 (p.Arg437Cys). This variant is present in gnomAD v.4.1.0 at a GrpMax allele frequency of 0.002554, with 133 alleles / 44,878 total alleles in the East Asian population, which is higher than the ClinGen Antibody Deficiencies VCEP BS1 threshold of >3.16 x 10-4 (BS1). A ClinVar submission reports the presence of the variant in unaffected individuals (ClinVar Accession #: SCV005153747.1), however, the BS2 code does not apply to variants in PIK3CD due to incomplete penetrance and variable expressivity. The computational predictor REVEL gives a score of 0.175, which is below the ClinGen Antibody Deficiencies VCEP threshold of <0.290 and predicts a non-damaging effect on PIK3CD function. The computational predictor CADD gives a PHRED score of 11.69, which is below the ClinGen Antibody Deficiencies VCEP threshold of <22.7 and predicts a non-deleterious effect on PIK3CD function. The two predictors agree on a non-damaging effect (BP4). In summary, this variant meets the criteria to be classified as likely benign for autosomal dominant immunodeficiency 14 based on the ACMG/AMP criteria applied, as specified by the ClinGen Antibody Deficiencies VCEP: BS1 and BP4. (VCEP specifications version 1.0.0).

Labcorp Genetics (formerly Invitae), Labcorp
Classification: Likely benign for Activated PI3K-delta syndrome. Last evaluated: 2025-07-31. Review status: criteria provided, single submitter. Criteria: Invitae Variant Classification Sherloc (09022015). Collection method: clinical testing. Allele origin: germline. Not counted in ClinVar's aggregate classification.

GeneDx
Classification: Uncertain significance. Last evaluated: 2025-01-24. Review status: criteria provided, single submitter. Criteria: GeneDx Variant Classification Process June 2021. Collection method: clinical testing. Allele origin: germline. Affected: yes. Not counted in ClinVar's aggregate classification.
Comment: In silico analysis indicates that this missense variant does not alter protein structure/function; Has not been previously published as pathogenic or benign to our knowledge

Ambry Genetics
Classification: Likely benign for Inborn genetic diseases. Last evaluated: 2024-04-20. Review status: criteria provided, single submitter. Criteria: Ambry Variant Classification Scheme 2023. Collection method: clinical testing. Allele origin: germline. Not counted in ClinVar's aggregate classification.